The following is an entry in ClinVar:

ClinVar aggregate classification (germline): Pathogenic/Likely pathogenic. Review status: criteria provided, multiple submitters, no conflicts (2 of 4 stars). 3 submissions from 3 submitters: Pathogenic (1); Likely pathogenic (2). Last evaluated 2025-02-19.

Conditions:
Retinitis pigmentosa 39 (RP39). Identifiers: Orphanet 791, MedGen C3151138, MONDO:0013436, OMIM 613809.
Usher syndrome type 2A. Also called: RETINAL DISEASE IN USHER SYNDROME TYPE IIA, MODIFIER OF; USHER SYNDROME, TYPE IIA. Identifiers: Orphanet 231178, Orphanet 886, MedGen C1848634, MONDO:0010169, OMIM 276901.

Allele frequency attached by ClinVar (database versions not stated): gnomAD exomes below 0.00001.
gnomAD v4.1: 1 of 1,611,972 alleles (0.000062%); highest among the groups gnomAD compares: South Asian, 0.0011%; no homozygotes.

Submissions (3):

Labcorp Genetics (formerly Invitae), Labcorp
Classification: Pathogenic. Last evaluated: 2025-02-19. Review status: criteria provided, single submitter. Criteria: Invitae Variant Classification Sherloc (09022015). Collection method: clinical testing. Allele origin: germline.
Comment: This sequence change creates a premature translational stop signal (p.Gln3839*) in the USH2A gene. It is expected to result in an absent or disrupted protein product. Loss-of-function variants in USH2A are known to be pathogenic (PMID: 10729113, 10909849, 20507924, 25649381). This variant is not present in population databases (gnomAD no frequency). This variant has not been reported in the literature in individuals affected with USH2A-related conditions. ClinVar contains an entry for this variant (Variation ID: 1390560). For these reasons, this variant has been classified as Pathogenic.

Natera, Inc.
Classification: Likely pathogenic for Usher syndrome type 2A. Last evaluated: 2025-01-28. Review status: criteria provided, single submitter. Criteria: Natera Variant Classification Schema (03/2026). Collection method: clinical testing. Allele origin: germline.
Comment: The c.11515C>T variant in USH2A is a nonsense variant predicted to introduce a stop codon at amino acid 3839. This variant is expected to result in nonsense mediated decay, truncation, or a dysfunctional protein product. This variant is rare in the general population with a frequency below the threshold expected for the associated phenotype(s). Given the available evidence, this variant is classified as Likely Pathogenic.

Baylor Genetics
Classification: Likely pathogenic for Retinitis pigmentosa 39. Last evaluated: 2022-02-09. Review status: criteria provided, single submitter. Criteria: ACMG Guidelines, 2015. Collection method: clinical testing. Allele origin: unknown.

Literature cited by the submitters: PubMed 10729113 (cited by Labcorp Genetics (formerly Invitae), Labcorp); PubMed 10909849 (cited by Labcorp Genetics (formerly Invitae), Labcorp); PubMed 20507924 (cited by Labcorp Genetics (formerly Invitae), Labcorp); PubMed 25649381 (cited by Labcorp Genetics (formerly Invitae), Labcorp).

NM_206933.4(USH2A):c.11515C>T (p.Gln3839Ter)

Gene: USH2A (usherin; minus strand). Cytogenetic location: 1q41.
Variant type: single nucleotide variant.
Coding change: c.11515C>T on transcript NM_206933.4 (MANE Select); coding-DNA position 11515, C replaced by T.
Protein change: p.Gln3839Ter; replaces glutamine 3839 with a stop codon.
Molecular consequence: nonsense.
Genome position (GRCh38, 1-based): chr1:215,743,210, G>A on the plus strand (C>T on the coding strand, the complement: USH2A is on the minus strand). VCF-style: chr1-215743210-G-A. GRCh37 (hg19) VCF-style: chr1-215916552-G-A.
Other names: c.11515C>T (NM_206933.2); short protein forms Q3839*.
Identifiers: ClinVar variation 1390560 (VCV001390560.8), dbSNP rs2102727387, ClinGen allele CA344834674.